The following is an entry in ClinVar:

NM_000268.4(NF2):c.338T>G (p.Ile113Ser)

Gene: NF2 (NF2, moesin-ezrin-radixin like (MERLIN) tumor suppressor; plus strand). Cytogenetic location: 22q12.2.
Variant type: single nucleotide variant.
Coding change: c.338T>G on transcript NM_000268.4 (MANE Select); coding-DNA position 338, T replaced by G.
Protein change: p.Ile113Ser; replaces isoleucine 113 with serine.
Molecular consequence: missense variant. On other transcripts: 5 prime UTR variant (1), intron variant (8).
Genome position (GRCh38, 1-based): chr22:29,639,187, T>G. VCF-style: chr22-29639187-T-G. GRCh37 (hg19) VCF-style: chr22-30035176-T-G.
Other names: c.338T>G, p.Ile113Ser (NM_001407059.1, NM_001407060.1, NM_001407066.1 and 5 more transcripts); c.-303T>G (NM_001407065.1); c.107T>G, p.Ile36Ser (NM_001407067.1); c.212T>G, p.Ile71Ser (NM_181828.3, NM_001407055.1); c.240+2311T>G (NM_001407058.1, NM_181829.3, NM_001407054.1 and 1 more transcripts); c.224T>G, p.Ile75Ser (NM_001407053.1, NM_001407056.1); c.115-3015T>G (NM_001407063.1, NM_181830.3, NM_001407064.1 and 1 more transcripts); short protein forms I113S, I36S, I71S, I75S.
Identifiers: ClinVar variation 4861028 (VCV004861028.1).

ClinVar aggregate classification (germline): Uncertain significance (1 of 4 stars; one submission).

Conditions:
Hereditary cancer-predisposing syndrome. Also called: Neoplastic Syndromes, Hereditary; Tumor predisposition; Hereditary Cancer Syndrome; Hereditary neoplastic syndrome. Identifiers: Orphanet 140162, MedGen C0027672, MeSH D009386, MONDO:0015356.

Submission:

Ambry Genetics
Classification: Uncertain significance for Hereditary cancer-predisposing syndrome. Last evaluated: 2026-05-24. Review status: criteria provided, single submitter. Criteria: Ambry Variant Classification Scheme 2023. Collection method: clinical testing. Allele origin: germline.
Comment: The p.I113S variant (also known as c.338T>G), located in coding exon 3 of the NF2 gene, results from a T to G substitution at nucleotide position 338. The isoleucine at codon 113 is replaced by serine, an amino acid with dissimilar properties. This amino acid position is conserved. In addition, the in silico prediction for this alteration is inconclusive. Based on the available evidence, the clinical significance of this variant remains unclear.